The following is an entry in ClinVar:

ClinVar aggregate classification (germline): Uncertain significance (1 of 4 stars; one submission).

Submission:

CeGaT Center for Human Genetics Tuebingen
Classification: Uncertain significance. Last evaluated: 2023-03-01. Review status: criteria provided, single submitter. Criteria: CeGaT Center For Human Genetics Tuebingen Variant Classification Criteria Version 2. Collection method: clinical testing. Allele origin: germline. Affected: yes. Observed: 1 variant allele.
Comment: NARS1: PM2, PP1

NM_004539.4(NARS1):c.812_813delinsGC (p.Pro271Arg)

Gene: NARS1 (asparaginyl-tRNA synthetase 1; minus strand). Cytogenetic location: 18q21.31.
Variant type: Indel.
Coding change: c.812_813delinsGC on transcript NM_004539.4 (MANE Select); coding-DNA positions 812 to 813, CA replaced by GC.
Protein change: p.Pro271Arg; replaces proline 271 with arginine.
Molecular consequence: missense variant.
Genome position (GRCh38, 1-based): chr18:57,607,322-57,607,323, TG replaced by GC on the plus strand (CA replaced by GC on the coding strand, the reverse complement: NARS1 is on the minus strand). VCF-style: chr18-57607322-TG-GC. GRCh37 (hg19) VCF-style: chr18-55274554-TG-GC.
Other names: short protein forms P271R.
Identifiers: ClinVar variation 2498741 (VCV002498741.28), dbSNP rs2511570655, ClinGen allele CA2580095932.
Genomic context (GRCh38, chr18:57,607,322, plus strand): 5'-CCCAAAATAGTCAAGCTTGAAGAGTGTGGCACCACCTTCTACTTGTGTTTGCACTAATGT[TG>GC]GAGGAGTAACCTGTTCAAATGCAAAGAAGGAATAAATCAATGCTATCGTGAGCACCACTA-3'
Protein context (NP_004530.1, residues 261-281): FDRGYYEVTP[Pro271Arg]TLVQTQVEGG